The following is an entry in ClinVar:

ClinVar aggregate classification (germline): Uncertain significance (0 of 4 stars; one submission).

Conditions:
MC3R-related disorder. Also called: MC3R-related condition.

Submission:

PreventionGenetics, part of Exact Sciences
Classification: Uncertain significance for MC3R-related condition. Last evaluated: 2024-03-14. Review status: no assertion criteria provided. Collection method: clinical testing. Allele origin: germline.
Comment: The MC3R c.259G>A variant is predicted to result in the amino acid substitution p.Val87Ile. To our knowledge, this variant has not been reported in the literature. This variant is reported in 0.011% of alleles in individuals of African descent in gnomAD. At this time, the clinical significance of this variant is uncertain due to the absence of conclusive functional and genetic evidence.

NM_019888.3(MC3R):c.259G>A (p.Val87Ile)

Gene: MC3R (melanocortin 3 receptor; plus strand). Cytogenetic location: 20q13.2.
Variant type: single nucleotide variant.
Coding change: c.259G>A on transcript NM_019888.3 (MANE Select); coding-DNA position 259, G replaced by A.
Protein change: p.Val87Ile; replaces valine 87 with isoleucine.
Molecular consequence: missense variant.
Genome position (GRCh38, 1-based): chr20:56,249,102, G>A. VCF-style: chr20-56249102-G-A. GRCh37 (hg19) VCF-style: chr20-54824158-G-A.
Other names: short protein forms V87I.
Identifiers: ClinVar variation 3350650 (VCV003350650.1).
Genomic context (GRCh38, chr20:56,249,102, plus strand): 5'-GGCAACCTGCACTCCCCGATGTACTTCTTTCTCTGCAGCCTGGCGGTGGCCGACATGCTG[G>A]TAAGTGTGTCCAATGCCCTGGAGACCATCATGATCGCCATCGTCCACAGCGACTACCTGA-3'
Protein context (NP_063941.3, residues 77-97): LCSLAVADML[Val87Ile]SVSNALETIM